The following is an entry in ClinVar:

NM_004168.4(SDHA):c.830C>A (p.Thr277Lys)

Gene: SDHA (succinate dehydrogenase complex flavoprotein subunit A; plus strand). Cytogenetic location: 5p15.33.
Variant type: single nucleotide variant.
Coding change: c.830C>A on transcript NM_004168.4 (MANE Select); coding-DNA position 830, C replaced by A.
Protein change: p.Thr277Lys; replaces threonine 277 with lysine.
Molecular consequence: missense variant.
Genome position (GRCh38, 1-based): chr5:230,935, C>A. VCF-style: chr5-230935-C-A. GRCh37 (hg19) VCF-style: chr5-231050-C-A.
Other names: c.686C>A, p.Thr229Lys (NM_001294332.2); c.830C>A, p.Thr277Lys (NM_001330758.2); short protein forms T277K, T229K.
Identifiers: ClinVar variation 539686 (VCV000539686.16), dbSNP rs367721665, ClinGen allele CA3173003.

ClinVar aggregate classification (germline): Uncertain significance. Review status: criteria provided, multiple submitters, no conflicts (2 of 4 stars). 3 submissions from 3 submitters: Uncertain significance (3). Last evaluated 2025-12-09.

Conditions:
Dilated cardiomyopathy 1GG (CMD1GG). Identifiers: Orphanet 154, MedGen C3150898, MONDO:0013339, OMIM 613642.
Mitochondrial complex II deficiency, nuclear type 1. Also called: SUCCINATE CoQ REDUCTASE DEFICIENCY. Identifiers: Orphanet 3208, MedGen C5700310, MONDO:0100294, OMIM 252011.
Pheochromocytoma/paraganglioma syndrome 5. Also called: Paragangliomas 5; SDHA-Related Hereditary Paraganglioma-Pheochromocytoma Syndrome. Identifiers: Orphanet 29072, MedGen C3279992, MONDO:0013602, OMIM 614165.
Hereditary cancer-predisposing syndrome. Also called: Neoplastic Syndromes, Hereditary; Tumor predisposition; Hereditary neoplastic syndrome; Hereditary Cancer Syndrome. Identifiers: Orphanet 140162, MedGen C0027672, MeSH D009386, MONDO:0015356.

Allele frequency attached by ClinVar (database versions not stated): TOPMed 0.00001.

Submissions (3):

Labcorp Genetics (formerly Invitae), Labcorp
Classification: Uncertain significance for Pheochromocytoma/paraganglioma syndrome 5; Mitochondrial complex II deficiency, nuclear type 1. Last evaluated: 2025-12-09. Review status: criteria provided, single submitter. Criteria: Invitae Variant Classification Sherloc (09022015). Collection method: clinical testing. Allele origin: germline.
Comment: This sequence change replaces threonine, which is neutral and polar, with lysine, which is basic and polar, at codon 277 of the SDHA protein (p.Thr277Lys). This variant is present in population databases (rs367721665, gnomAD 0.002%). This variant has not been reported in the literature in individuals affected with SDHA-related conditions. ClinVar contains an entry for this variant (Variation ID: 539686). Invitae Evidence Modeling of protein sequence and biophysical properties (such as structural, functional, and spatial information, amino acid conservation, physicochemical variation, residue mobility, and thermodynamic stability) indicates that this missense variant is not expected to disrupt SDHA protein function with a negative predictive value of 95%. In summary, the available evidence is currently insufficient to determine the role of this variant in disease. Therefore, it has been classified as a Variant of Uncertain Significance.

Ambry Genetics
Classification: Uncertain significance for Hereditary cancer-predisposing syndrome. Last evaluated: 2025-06-13. Review status: criteria provided, single submitter. Criteria: Ambry Variant Classification Scheme 2023. Collection method: clinical testing. Allele origin: germline.
Comment: The p.T277K variant (also known as c.830C>A), located in coding exon 7 of the SDHA gene, results from a C to A substitution at nucleotide position 830. The threonine at codon 277 is replaced by lysine, an amino acid with similar properties. This amino acid position is not well conserved in available vertebrate species. In addition, the in silico prediction for this alteration is inconclusive. Based on the available evidence, the clinical significance of this variant remains unclear.

Baylor Genetics
Classification: Uncertain significance for Dilated cardiomyopathy 1GG. Last evaluated: 2023-09-06. Review status: criteria provided, single submitter. Criteria: ACMG Guidelines, 2015. Collection method: clinical testing. Allele origin: unknown.